The following is an entry in ClinVar:

ClinVar aggregate classification (germline): Uncertain significance (1 of 4 stars; one submission).

Conditions:
Ehlers-Danlos syndrome, classic type, 1 (EDSCL1). Also called: EHLERS-DANLOS SYNDROME, GRAVIS TYPE; EHLERS-DANLOS SYNDROME, SEVERE CLASSIC TYPE; Ehlers-Danlos syndrome, type 1; Ehlers-Danlos Syndrome, Classic Type, COL5A1-Related; EDS I. Identifiers: MedGen C0268335, MONDO:0019567, OMIM 130000.

gnomAD v4.1: 3 of 1,613,568 alleles (0.00019%); highest among the groups gnomAD compares: Non-Finnish European, 0.00025%; no homozygotes.

Submission:

Labcorp Genetics (formerly Invitae), Labcorp
Classification: Uncertain significance for Ehlers-Danlos syndrome, classic type, 1. Last evaluated: 2024-12-04. Review status: criteria provided, single submitter. Criteria: Invitae Variant Classification Sherloc (09022015). Collection method: clinical testing. Allele origin: germline.
Comment: This sequence change replaces proline, which is neutral and non-polar, with serine, which is neutral and polar, at codon 515 of the COL5A1 protein (p.Pro515Ser). This variant is not present in population databases (gnomAD no frequency). This variant has not been reported in the literature in individuals affected with COL5A1-related conditions. Invitae Evidence Modeling of protein sequence and biophysical properties (such as structural, functional, and spatial information, amino acid conservation, physicochemical variation, residue mobility, and thermodynamic stability) has been performed for this missense variant. However, the output from this modeling did not meet the statistical confidence thresholds required to predict the impact of this variant on COL5A1 protein function. In summary, the available evidence is currently insufficient to determine the role of this variant in disease. Therefore, it has been classified as a Variant of Uncertain Significance.

NM_000093.5(COL5A1):c.1543C>T (p.Pro515Ser)

Gene: COL5A1 (collagen type V alpha 1 chain; plus strand). Cytogenetic location: 9q34.3.
Variant type: single nucleotide variant.
Coding change: c.1543C>T on transcript NM_000093.5 (MANE Select); coding-DNA position 1543, C replaced by T.
Protein change: p.Pro515Ser; replaces proline 515 with serine.
Molecular consequence: missense variant.
Genome position (GRCh38, 1-based): chr9:134,750,590, C>T. VCF-style: chr9-134750590-C-T. GRCh37 (hg19) VCF-style: chr9-137642436-C-T.
Other names: c.1543C>T, p.Pro515Ser (NM_001278074.1); short protein forms P515S.
Identifiers: ClinVar variation 3699668 (VCV003699668.2).
Genomic context (GRCh38, chr9:134,750,590, plus strand): 5'-CCTTGTCTTCAGGGCCCCCCTGGACGCCCAGGCCTTCCTGGGGCCGATGGCCTGCCCGGT[C>T]CTCCAGGAACCATGCTCATGCTGCCCGTGAGTACCCTTATCAGTCGGAGGTGGGGAGGCA-3'
Protein context (NP_000084.3, residues 505-525): GLPGADGLPG[Pro515Ser]PGTMLMLPFR